The following is an entry in ClinVar:

NM_033004.4(NLRP1):c.2729G>A (p.Cys910Tyr)

Gene: NLRP1 (NLR family pyrin domain containing 1; minus strand). Cytogenetic location: 17p13.2.
Variant type: single nucleotide variant.
Coding change: c.2729G>A on transcript NM_033004.4 (MANE Select); coding-DNA position 2729, G replaced by A.
Protein change: p.Cys910Tyr; replaces cysteine 910 with tyrosine.
Molecular consequence: missense variant.
Genome position (GRCh38, 1-based): chr17:5,539,556, C>T on the plus strand (G>A on the coding strand, the complement: NLRP1 is on the minus strand). VCF-style: chr17-5539556-C-T. GRCh37 (hg19) VCF-style: chr17-5442876-C-T.
Other names: c.2729G>A, p.Cys910Tyr (NM_001033053.3, NM_014922.5, NM_033006.4 and 1 more transcripts); short protein forms C910Y.
Identifiers: ClinVar variation 2755549 (VCV002755549.3), dbSNP rs755422854, ClinGen allele CA8327066.

ClinVar aggregate classification (germline): Uncertain significance (1 of 4 stars; one submission).

Allele frequency attached by ClinVar (database versions not stated): ExAC 0.00001.
gnomAD v4.1: 2 of 1,612,984 alleles (0.00012%); highest among the groups gnomAD compares: Non-Finnish European, 0.00017%; no homozygotes.

Submission:

Labcorp Genetics (formerly Invitae), Labcorp
Classification: Uncertain significance. Last evaluated: 2023-09-17. Review status: criteria provided, single submitter. Criteria: Invitae Variant Classification Sherloc (09022015). Collection method: clinical testing. Allele origin: germline.
Comment: In summary, the available evidence is currently insufficient to determine the role of this variant in disease. Therefore, it has been classified as a Variant of Uncertain Significance. Algorithms developed to predict the effect of missense changes on protein structure and function output the following: SIFT: "Not Available"; PolyPhen-2: "Benign"; Align-GVGD: "Not Available". The tyrosine amino acid residue is found in multiple mammalian species, which suggests that this missense change does not adversely affect protein function. This sequence change replaces cysteine, which is neutral and slightly polar, with tyrosine, which is neutral and polar, at codon 910 of the NLRP1 protein (p.Cys910Tyr). The frequency data for this variant in the population databases is considered unreliable, as metrics indicate poor data quality at this position in the gnomAD database. This variant has not been reported in the literature in individuals affected with NLRP1-related conditions.